The following is an entry in ClinVar:

ClinVar aggregate classification (germline): Uncertain significance. Review status: criteria provided, multiple submitters, no conflicts (2 of 4 stars). 3 submissions from 3 submitters: Uncertain significance (3). Last evaluated 2024-06-22.

Conditions:
Hyper-IgE recurrent infection syndrome 3, autosomal recessive. Also called: Autosomal recessive hyper-IgE syndrome due to ZNF341 deficiency; HYPER-IgE SYNDROME 3, AUTOSOMAL RECESSIVE, WITH RECURRENT INFECTIONS. Identifiers: Orphanet 641368, MedGen C4748969, MONDO:0032654, OMIM 618282.

Allele frequency attached by ClinVar (database versions not stated): gnomAD 0.00002 and 0.00003; TOPMed 0.00004; gnomAD exomes 0.00001 and 0.00007; ExAC 0.00003.
gnomAD v4.1: 21 of 1,611,728 alleles (0.0013%); highest among the groups gnomAD compares: East Asian, 0.027%; no homozygotes.

Submissions (3):

Ambry Genetics
Classification: Uncertain significance. Last evaluated: 2024-06-22. Review status: criteria provided, single submitter. Criteria: Ambry Variant Classification Scheme 2023. Collection method: clinical testing. Allele origin: germline.

Fulgent Genetics
Classification: Uncertain significance for Hyper-IgE recurrent infection syndrome 3, autosomal recessive. Last evaluated: 2024-06-06. Review status: criteria provided, single submitter. Criteria: ACMG Guidelines, 2015. Collection method: clinical testing. Allele origin: germline.

Labcorp Genetics (formerly Invitae), Labcorp
Classification: Uncertain significance. Last evaluated: 2022-04-08. Review status: criteria provided, single submitter. Criteria: Invitae Variant Classification Sherloc (09022015). Collection method: clinical testing. Allele origin: germline.
Comment: This sequence change replaces proline, which is neutral and non-polar, with leucine, which is neutral and non-polar, at codon 785 of the ZNF341 protein (p.Pro785Leu). This variant is present in population databases (rs755802319, gnomAD 0.08%). This variant has not been reported in the literature in individuals affected with ZNF341-related conditions. Algorithms developed to predict the effect of missense changes on protein structure and function are either unavailable or do not agree on the potential impact of this missense change (SIFT: "Deleterious"; PolyPhen-2: "Benign"; Align-GVGD: "Class C0"). In summary, the available evidence is currently insufficient to determine the role of this variant in disease. Therefore, it has been classified as a Variant of Uncertain Significance.

NM_001282933.2(ZNF341):c.2375C>T (p.Pro792Leu)

Genes: ZNF341 (zinc finger protein 341; plus strand), ZNF341-AS1 (ZNF341 antisense RNA 1; minus strand). Cytogenetic location: 20q11.22.
Variant type: single nucleotide variant.
Coding change: c.2375C>T on transcript NM_001282933.2 (MANE Select); coding-DNA position 2375, C replaced by T.
Protein change: p.Pro792Leu; replaces proline 792 with leucine.
Molecular consequence: missense variant. On other transcripts: non-coding transcript variant (1).
Genome position (GRCh38, 1-based): chr20:33,791,327, C>T. VCF-style: chr20-33791327-C-T. GRCh37 (hg19) VCF-style: chr20-32379133-C-T.
Other names: c.2105C>T, p.Pro702Leu (NM_001282935.2); c.2354C>T, p.Pro785Leu (NM_032819.5); c.2354C>T (NM_032819.3, NM_032819.4); short protein forms P785L, P792L, P702L.
Identifiers: ClinVar variation 1357184 (VCV001357184.7), dbSNP rs755802319, ClinGen allele CA9819782.
Genomic context (GRCh38, chr20:33,791,327, plus strand): 5'-GGCTGGAGGAGCTGAAGGACACAGGGGCTGGGCTGGTGCCCGAGGCTGTCCCCGGCAAGC[C>T]GCCCTTCGCAGAGCCGGACGCGGTGCTGTCCATCGTTGTGGGTGGTGCGGTGGGCGCGGA-3'
Protein context (NP_001269862.1, residues 782-802): GLVPEAVPGK[Pro792Leu]PFAEPDAVLS